The following is an entry in ClinVar:

ClinVar aggregate classification (germline): Conflicting classifications of pathogenicity. Review status: criteria provided, conflicting classifications (1 of 4 stars). 2 submissions from 2 submitters: Pathogenic (1); Uncertain significance (1). Last evaluated 2023-11-27.

Submissions (2):

Labcorp Genetics (formerly Invitae), Labcorp
Classification: Pathogenic. Last evaluated: 2023-11-27. Review status: criteria provided, single submitter. Criteria: Invitae Variant Classification Sherloc (09022015). Collection method: clinical testing. Allele origin: germline.
Comment: This sequence change creates a premature translational stop signal (p.Leu561Serfs*26) in the RGS9 gene. It is expected to result in an absent or disrupted protein product. Loss-of-function variants in RGS9 are known to be pathogenic (PMID: 11262419, 14702087). The frequency data for this variant in the population databases is considered unreliable, as metrics indicate poor data quality at this position in the gnomAD database. This variant has not been reported in the literature in individuals affected with RGS9-related conditions. ClinVar contains an entry for this variant (Variation ID: 1357210). For these reasons, this variant has been classified as Pathogenic.

Blueprint Genetics
Classification: Uncertain significance. Last evaluated: 2020-04-15. Review status: criteria provided, single submitter. Criteria: ACMG Guidelines, 2015. Collection method: clinical testing. Allele origin: germline.

Literature cited by the submitters: PubMed 11262419 (cited by Labcorp Genetics (formerly Invitae), Labcorp); PubMed 14702087 (cited by Labcorp Genetics (formerly Invitae), Labcorp).

NM_003835.4(RGS9):c.1681del (p.Leu561fs)

Gene: RGS9 (regulator of G protein signaling 9; plus strand). Cytogenetic location: 17q24.1.
Variant type: Deletion.
Coding change: c.1681del on transcript NM_003835.4 (MANE Select); coding-DNA position 1681, one base deleted (C; older notation c.1681delC).
Protein change: p.Leu561fs; shifts the reading frame from leucine 561.
Molecular consequence: frameshift variant.
Genome position (GRCh38, 1-based): chr17:65,225,275, C deleted; the last of 3 consecutive C bases (chr17:65,225,273-65,225,275); deleting any one gives the same sequence. VCF-style (leftmost placement, unchanged base first): chr17-65225272-TC-T. GRCh37 (hg19) VCF-style: chr17-63221390-TC-T.
Other names: c.1672del, p.Leu558fs (NM_001081955.3); short protein forms L558fs, L561fs.
Identifiers: ClinVar variation 1357210 (VCV001357210.7), dbSNP rs1212843827, ClinGen allele CA627152034.